The following is an entry in ClinVar:

NM_001148.6(ANK2):c.5488C>T (p.His1830Tyr)

Genes: ANK2 (ankyrin 2; plus strand), LOC126807136 (MED14-independent group 3 enhancer GRCh37_chr4:114274931-114276130; plus strand). Cytogenetic location: 4q26.
Variant type: single nucleotide variant.
Coding change: c.5488C>T on transcript NM_001148.6 (MANE Select); coding-DNA position 5488, C replaced by T.
Protein change: p.His1830Tyr; replaces histidine 1830 with tyrosine.
Molecular consequence: missense variant. On other transcripts: intron variant (68).
Genome position (GRCh38, 1-based): chr4:113,354,106, C>T. VCF-style: chr4-113354106-C-T. GRCh37 (hg19) VCF-style: chr4-114275262-C-T.
Other names: c.5629C>T, p.His1877Tyr (NM_001386174.1); c.5605C>T, p.His1869Tyr (NM_001386175.1); c.4411+3857C>T (NM_001386186.2, NM_001386148.2); c.4213+3857C>T (NM_001354269.3); c.4291+3857C>T (NM_001386187.2); c.4252+3857C>T (NM_001386147.1); c.4270+3857C>T (NM_001386160.1); c.4375+3857C>T (NM_001354254.2); and 35 more; short protein forms H1877Y, H630Y, H1752Y, H1830Y, H1869Y.
Identifiers: ClinVar variation 3669485 (VCV003669485.2).

ClinVar aggregate classification (germline): Uncertain significance (1 of 4 stars; one submission).

Conditions:
Long QT syndrome (LQTS). Identifiers: MedGen C0023976, MeSH D008133, MONDO:0002442. Disease mechanism: loss of function. Inheritance: Various modes of inheritance.

gnomAD v4.1: 10 of 1,613,992 alleles (0.00062%); highest among the groups gnomAD compares: Non-Finnish European, 0.00085%; no homozygotes.

Submission:

Labcorp Genetics (formerly Invitae), Labcorp
Classification: Uncertain significance for Long QT syndrome. Last evaluated: 2024-05-16. Review status: criteria provided, single submitter. Criteria: Invitae Variant Classification Sherloc (09022015). Collection method: clinical testing. Allele origin: germline.
Comment: This sequence change replaces histidine, which is basic and polar, with tyrosine, which is neutral and polar, at codon 1830 of the ANK2 protein (p.His1830Tyr). This variant is present in population databases (rs748530855, gnomAD 0.002%). This variant has not been reported in the literature in individuals affected with ANK2-related conditions. An algorithm developed to predict the effect of missense changes on protein structure and function (PolyPhen-2) suggests that this variant is likely to be tolerated. In summary, the available evidence is currently insufficient to determine the role of this variant in disease. Therefore, it has been classified as a Variant of Uncertain Significance.